The following is an entry in ClinVar:

ClinVar aggregate classification (germline): Uncertain significance. Review status: criteria provided, multiple submitters, no conflicts (2 of 4 stars). 3 submissions from 3 submitters: Uncertain significance (3). Last evaluated 2020-05-01.

Conditions:
Oocyte/zygote/embryo maturation arrest 16. Also called: Preimplantation embryonic lethality 2. Identifiers: MedGen C4310659, MONDO:1010200, OMIM 617234.

Allele frequency attached by ClinVar (database versions not stated): 1000 Genomes Project 30x 0.00016; 1000 Genomes Project 0.00020; TOPMed 0.00045; gnomAD 0.00051 and 0.00053; gnomAD exomes 0.00052; ESP Exome Variant Server 0.00065; ExAC 0.00067.

Submissions (3):

CeGaT Center for Human Genetics Tuebingen
Classification: Uncertain significance. Last evaluated: 2020-05-01. Review status: criteria provided, single submitter. Criteria: CeGaT Center For Human Genetics Tuebingen Variant Classification Criteria Version 2. Collection method: clinical testing. Allele origin: germline. Affected: yes. Observed: 1 variant allele.

Breakthrough Genomics
Classification: Uncertain significance. Review status: criteria provided, single submitter. Criteria: ACMG Guidelines, 2015. Collection method: not provided. Allele origin: germline. Inheritance: Autosomal recessive inheritance. Affected: yes.

Juno Genomics, Hangzhou Juno Genomics, Inc
Classification: Uncertain significance for Oocyte/zygote/embryo maturation arrest 16. Review status: criteria provided, single submitter. Criteria: ACMG Guidelines, 2015. Collection method: clinical testing. Allele origin: germline.
Comment: Absent from controls (or at extremely low frequency if recessive) in Genome Aggregation Database.

NM_207421.4(PADI6):c.1639G>A (p.Asp547Asn)

Gene: PADI6 (peptidyl arginine deiminase 6; plus strand). Cytogenetic location: 1p36.13.
Variant type: single nucleotide variant.
Coding change: c.1639G>A on transcript NM_207421.4 (MANE Select); coding-DNA position 1639, G replaced by A.
Protein change: p.Asp547Asn; replaces aspartic acid 547 with asparagine.
Molecular consequence: missense variant.
Genome position (GRCh38, 1-based): chr1:17,397,091, G>A. VCF-style: chr1-17397091-G-A. GRCh37 (hg19) VCF-style: chr1-17723587-G-A.
Other names: short protein forms D547N.
Identifiers: ClinVar variation 932497 (VCV000932497.41), dbSNP rs150981529, ClinGen allele CA641835.